The following is an entry in ClinVar:

ClinVar aggregate classification (germline): Pathogenic (1 of 4 stars; one submission).

Conditions:
Radio-Tartaglia syndrome. Identifiers: Orphanet 662234, MedGen C5543339, MONDO:0859143, OMIM 619312.

Submission:

Victorian Clinical Genetics Services, Murdoch Childrens Research Institute
Classification: Pathogenic for Radio-Tartaglia syndrome. Last evaluated: 2024-12-30. Review status: criteria provided, single submitter. Criteria: ACMG Guidelines, 2015. Collection method: clinical testing. Allele origin: germline. Affected: yes.
Comment: This variant is classified as Pathogenic. Evidence in support of pathogenic classification: Variant is predicted to cause nonsense-mediated decay (NMD) and loss of protein (premature termination codon is located at least 54 nucleotides upstream of the final exon-exon junction); Variant is absent from gnomAD (v2, v3 and v4); Other NMD-predicted variant(s) comparable to the one identified in this case have very strong previous evidence for pathogenicity (DECIPHER). Additional information: This variant is heterozygous; This gene is associated with autosomal dominant disease; This variant has no previous evidence of pathogenicity; No published segregation evidence has been identified for this variant; No published functional evidence has been identified for this variant; Loss of function is a known mechanism of disease in this gene and is associated with Radio-Tartaglia syndrome (MIM#619312); Variants in this gene are known to have variable expressivity (OMIM); Parental origin of the variant is unresolved.

NM_015001.3(SPEN):c.9766_9767insA (p.Leu3256fs)

Gene: SPEN (spen family transcriptional repressor; plus strand). Cytogenetic location: 1p36.13.
Variant type: Insertion.
Coding change: c.9766_9767insA on transcript NM_015001.3 (MANE Select); coding-DNA positions 9766 to 9767, A inserted.
Protein change: p.Leu3256fs; shifts the reading frame from leucine 3256.
Molecular consequence: frameshift variant.
Genome position: GRCh38 VCF-style: chr1-15936006-C-CA. GRCh37 (hg19) VCF-style: chr1-16262501-C-CA.
Other names: short protein forms L3256fs.
Identifiers: ClinVar variation 4532034 (VCV004532034.1).